The following is an entry in ClinVar:

NM_144672.4(OTOA):c.391G>T (p.Asp131Tyr)

Gene: OTOA (otoancorin). Cytogenetic location: 16p12.2.
Variant type: single nucleotide variant.
Coding change: c.391G>T on transcript NM_144672.4 (MANE Select); coding-DNA position 391, G replaced by T.
Protein change: p.Asp131Tyr; replaces aspartic acid 131 with tyrosine.
Molecular consequence: missense variant.
Genome position (GRCh38, 1-based): chr16:21,685,353, G>T. VCF-style: chr16-21685353-G-T. GRCh37 (hg19) VCF-style: chr16-21696674-G-T.
Other names: c.154G>T, p.Asp52Tyr (NM_001161683.2); short protein forms D131Y, D52Y.
Identifiers: ClinVar variation 1698018 (VCV001698018.2), dbSNP rs2141659003, ClinGen allele CA395054130.

ClinVar aggregate classification (germline): Uncertain significance (1 of 4 stars; one submission).

Submission:

GeneDx
Classification: Uncertain significance. Last evaluated: 2022-01-25. Review status: criteria provided, single submitter. Criteria: GeneDx Variant Classification Process June 2021. Collection method: clinical testing. Allele origin: germline. Affected: yes.
Comment: Not observed at significant frequency in large population cohorts (gnomAD); In silico analysis supports that this missense variant has a deleterious effect on protein structure/function; In silico analysis supports that this missense variant does not alter protein structure/function; Has not been previously published as pathogenic or benign to our knowledge